The following is an entry in ClinVar:

ClinVar aggregate classification (germline): Pathogenic (1 of 4 stars; one submission).

Conditions:
Peroxisome biogenesis disorder. Identifiers: Orphanet 79189, MedGen C1832200, MONDO:0019234. Disease mechanism: loss of function.

Submission:

Myriad Genetics, Inc.
Classification: Pathogenic for Peroxisome biogenesis disorder. Last evaluated: 2023-08-08. Review status: criteria provided, single submitter. Criteria: Myriad Autosomal Dominant, Autosomal Recessive and X-Linked Classification Criteria (2023). Collection method: clinical testing. Allele origin: unknown.
Comment: NM_000466.2(PEX1):c.2875del1ins20(R959Cfs*10) is expected to be pathogenic in the context of peroxisome biogenesis disorder type 1. This variant is predicted to lead to an abnormal or absent protein product due to the creation of a premature termination codon in PEX1, a gene where loss-of-function variants are known to be pathogenic. Please note: this variant was assessed in the context of healthy population screening.

NM_000466.3(PEX1):c.2875delinsTGTCTCTTATACACATCTGT (p.Arg959fs)

Genes: GATAD1 (GATA zinc finger domain containing 1; plus strand), PEX1 (peroxisomal biogenesis factor 1; minus strand). Cytogenetic location: 7q21.2.
Variant type: Indel.
Coding change: c.2875delinsTGTCTCTTATACACATCTGT on transcript NM_000466.3 (MANE Select); coding-DNA position 2875, C replaced by TGTCTCTTATACACATCTGT.
Protein change: p.Arg959fs; shifts the reading frame from arginine 959.
Molecular consequence: frameshift variant.
Genome position (GRCh38, 1-based): chr7:92,494,538, G replaced by ACAGATGTGTATAAGAGACA on the plus strand (C replaced by TGTCTCTTATACACATCTGT on the coding strand, the reverse complement: PEX1 is on the minus strand). VCF-style: chr7-92494538-G-ACAGATGTGTATAAGAGACA. GRCh37 (hg19) VCF-style: chr7-92123852-G-ACAGATGTGTATAAGAGACA.
Other names: c.2704delinsTGTCTCTTATACACATCTGT, p.Arg902fs (NM_001282677.2); c.2251delinsTGTCTCTTATACACATCTGT, p.Arg751fs (NM_001282678.2); short protein forms R751fs, R902fs, R959fs.
Identifiers: ClinVar variation 5011267 (VCV005011267.1).